The following is an entry in ClinVar:

NM_015512.5(DNAH1):c.4806C>T (p.Thr1602=)

Gene: DNAH1 (dynein axonemal heavy chain 1; plus strand). Cytogenetic location: 3p21.1.
Variant type: single nucleotide variant.
Coding change: c.4806C>T on transcript NM_015512.5 (MANE Select); coding-DNA position 4806, C replaced by T.
Protein change: p.Thr1602=; no amino-acid change (threonine 1602 retained).
Molecular consequence: synonymous variant.
Genome position (GRCh38, 1-based): chr3:52,361,284, C>T. VCF-style: chr3-52361284-C-T. GRCh37 (hg19) VCF-style: chr3-52395300-C-T.
Identifiers: ClinVar variation 544649 (VCV000544649.9), dbSNP rs536663755, ClinGen allele CA2434004.

ClinVar aggregate classification (germline): Likely benign. Review status: criteria provided, multiple submitters, no conflicts (2 of 4 stars). 2 submissions from 2 submitters: Likely benign (2). Last evaluated 2025-10-14.

Conditions:
DNAH1-related disorder. Also called: DNAH1-related condition.
Spermatogenic failure 18. Identifiers: MedGen C4539783, MONDO:0054615, OMIM 617576.
Ciliary dyskinesia, primary, 37 (CILD37). Also called: CILIARY DYSKINESIA, PRIMARY, 37, WITH OR WITHOUT SITUS INVERSUS. Identifiers: MedGen C4539798, MONDO:0033204, OMIM 617577.

Allele frequency attached by ClinVar (database versions not stated): gnomAD exomes 0.00002; ExAC 0.00003; TOPMed 0.00005; gnomAD 0.00007 and 0.00008; 1000 Genomes Project 30x 0.00031; 1000 Genomes Project 0.00040.
gnomAD v4.1: 39 of 1,611,312 alleles (0.0024%); highest among the groups gnomAD compares: African/African-American, 0.019%; no homozygotes.

Submissions (2):

Labcorp Genetics (formerly Invitae), Labcorp
Classification: Likely benign for Ciliary dyskinesia, primary, 37; Spermatogenic failure 18. Last evaluated: 2025-10-14. Review status: criteria provided, single submitter. Criteria: Invitae Variant Classification Sherloc (09022015). Collection method: clinical testing. Allele origin: germline.

PreventionGenetics, part of Exact Sciences
Classification: Likely benign for DNAH1-related condition. Last evaluated: 2025-06-20. Review status: criteria provided, single submitter. Criteria: ACMG Guidelines, 2015. Collection method: clinical testing. Allele origin: germline.
Comment: This variant is classified as likely benign based on ACMG/AMP sequence variant interpretation guidelines (Richards et al. 2015 PMID: 25741868, with internal and published modifications).